The following is an entry in ClinVar:

ClinVar aggregate classification (germline): Conflicting classifications of pathogenicity. Review status: criteria provided, conflicting classifications (1 of 4 stars). 2 submissions from 2 submitters: Uncertain significance (1); Likely benign (1). Last evaluated 2024-04-24.

Conditions:
Hereditary cancer-predisposing syndrome. Also called: Hereditary Cancer Syndrome; Neoplastic Syndromes, Hereditary; Tumor predisposition; Hereditary neoplastic syndrome. Identifiers: Orphanet 140162, MedGen C0027672, MeSH D009386, MONDO:0015356.
Ataxia-telangiectasia syndrome (AT). Also called: Ataxia-telangiectasia, complementation group D; AT, COMPLEMENTATION GROUP C; ATAXIA-TELANGIECTASIA, COMPLEMENTATION GROUP A; ATAXIA-TELANGIECTASIA, FRESNO VARIANT; Ataxia-telangiectasia; LOUIS-BAR SYNDROME. Identifiers: Orphanet 100, MedGen C0004135, MONDO:0008840, OMIM 208900.

Allele frequency attached by ClinVar (database versions not stated): gnomAD exomes below 0.00001; TOPMed below 0.00001; ExAC 0.00001.
gnomAD v4.1: 6 of 1,613,922 alleles (0.00037%); highest among the groups gnomAD compares: Non-Finnish European, 0.00051%; no homozygotes.

Submissions (2):

Ambry Genetics
Classification: Likely benign for Hereditary cancer-predisposing syndrome. Last evaluated: 2024-04-24. Review status: criteria provided, single submitter. Criteria: Ambry Variant Classification Scheme 2023. Collection method: clinical testing. Allele origin: germline.

Labcorp Genetics (formerly Invitae), Labcorp
Classification: Uncertain significance for Ataxia-telangiectasia syndrome. Last evaluated: 2023-11-14. Review status: criteria provided, single submitter. Criteria: Invitae Variant Classification Sherloc (09022015). Collection method: clinical testing. Allele origin: germline.
Comment: This sequence change replaces lysine, which is basic and polar, with glutamic acid, which is acidic and polar, at codon 1701 of the ATM protein (p.Lys1701Glu). This variant is present in population databases (rs746220021, gnomAD 0.0009%). This variant has not been reported in the literature in individuals affected with ATM-related conditions. ClinVar contains an entry for this variant (Variation ID: 185911). Algorithms developed to predict the effect of missense changes on protein structure and function output the following: SIFT: "Not Available"; PolyPhen-2: "Benign"; Align-GVGD: "Not Available". The glutamic acid amino acid residue is found in multiple mammalian species, which suggests that this missense change does not adversely affect protein function. In summary, the available evidence is currently insufficient to determine the role of this variant in disease. Therefore, it has been classified as a Variant of Uncertain Significance.

NM_000051.4(ATM):c.5101A>G (p.Lys1701Glu)

Gene: ATM (ATM serine/threonine kinase; plus strand). Cytogenetic location: 11q22.3.
Variant type: single nucleotide variant.
Coding change: c.5101A>G on transcript NM_000051.4 (MANE Select); coding-DNA position 5101, A replaced by G.
Protein change: p.Lys1701Glu; replaces lysine 1701 with glutamic acid.
Molecular consequence: missense variant.
Genome position (GRCh38, 1-based): chr11:108,299,809, A>G. VCF-style: chr11-108299809-A-G. GRCh37 (hg19) VCF-style: chr11-108170536-A-G.
Other names: c.5101A>G, p.Lys1701Glu (NM_001351834.2); short protein forms K1701E.
Identifiers: ClinVar variation 185911 (VCV000185911.15), dbSNP rs746220021, ClinGen allele CA193341.
Genomic context (GRCh38, chr11:108,299,809, plus strand): 5'-ATAGATTTCTCTACCATAGCTATACAACATAGTAAAGATGCATCTTATACCAAGGCCCTT[A>G]AGTTATTTGAAGATAAAGAACTTCAGTGGACCTTCATAATGCTGACCTACCTGAATAACA-3'
Protein context (NP_000042.3, residues 1691-1711): SKDASYTKAL[Lys1701Glu]LFEDKELQWT